The following is an entry in ClinVar:

NM_000036.3(AMPD1):c.512G>A (p.Gly171Asp)

Gene: AMPD1 (adenosine monophosphate deaminase 1; minus strand). Cytogenetic location: 1p13.2.
Variant type: single nucleotide variant.
Coding change: c.512G>A on transcript NM_000036.3 (MANE Select); coding-DNA position 512, G replaced by A.
Protein change: p.Gly171Asp; replaces glycine 171 with aspartic acid.
Molecular consequence: missense variant.
Genome position (GRCh38, 1-based): chr1:114,684,234, C>T on the plus strand (G>A on the coding strand, the complement: AMPD1 is on the minus strand). VCF-style: chr1-114684234-C-T. GRCh37 (hg19) VCF-style: chr1-115226855-C-T.
Other names: c.500G>A, p.Gly167Asp (NM_001172626.2); short protein forms G204D, G167D, G171D.
Identifiers: ClinVar variation 559258 (VCV000559258.20), dbSNP rs142582318, ClinGen allele CA1020416.

ClinVar aggregate classification (germline): Conflicting classifications of pathogenicity. Review status: criteria provided, conflicting classifications (1 of 4 stars). 5 submissions from 5 submitters: Uncertain significance (3); Likely benign (1). 1 of the submissions does not count toward it. Last evaluated 2026-01-06.

Conditions:
Muscle AMP deaminase deficiency (MMDD). Also called: Myoadenylate deaminase deficiency, myopathy due to; Adenosine monophosphate deaminase 1 deficiency; AMP deaminase 1 deficiency; Adenosine Monophosphate Deaminase 1; AMPD1 DEFICIENCY; ADENOSINE MONOPHOSPHATE DEAMINASE-1 DEFICIENCY, MYOPATHY DUE TO. Identifiers: Orphanet 45, MedGen C3714933, MONDO:0014220, OMIM 615511.

Allele frequency attached by ClinVar (database versions not stated): 1000 Genomes Project 30x 0.00031; 1000 Genomes Project 0.00040; ESP Exome Variant Server 0.00054; TOPMed 0.00055; gnomAD exomes 0.00065 and 0.00095; ExAC 0.00084; gnomAD 0.00088 and 0.00093.
gnomAD v4.1: 1,089 of 1,614,112 alleles (0.067%); highest among the groups gnomAD compares: Non-Finnish European, 0.058%; no homozygotes.

Submissions (5):

Labcorp Genetics (formerly Invitae), Labcorp
Classification: Likely benign for Muscle AMP deaminase deficiency. Last evaluated: 2026-01-06. Review status: criteria provided, single submitter. Criteria: Invitae Variant Classification Sherloc (09022015). Collection method: clinical testing. Allele origin: germline.

Blueprint Genetics
Classification: Uncertain significance. Last evaluated: 2024-11-25. Review status: criteria provided, single submitter. Criteria: ACMG Guidelines, 2015. Collection method: clinical testing. Allele origin: germline.

GeneDx
Classification: Uncertain significance. Last evaluated: 2019-12-18. Review status: criteria provided, single submitter. Criteria: GeneDx Variant Classification Process June 2021. Collection method: clinical testing. Allele origin: germline. Affected: yes.
Comment: In silico analysis, which includes protein predictors and evolutionary conservation, supports that this variant does not alter protein structure/function; Has not been previously published as pathogenic or benign to our knowledge

Revvity Omics, Revvity
Classification: Uncertain significance for Muscle AMP deaminase deficiency. Last evaluated: 2019-06-10. Review status: criteria provided, single submitter. Criteria: ACMG Guidelines, 2015. Collection method: clinical testing. Allele origin: germline.

Mayo Clinic Laboratories, Mayo Clinic
Classification: Uncertain significance. Last evaluated: 2018-01-12. Review status: no assertion criteria provided. Collection method: clinical testing. Allele origin: unknown. Not counted in ClinVar's aggregate classification.